The following is an entry in ClinVar:

ClinVar aggregate classification (germline): Uncertain significance. Review status: criteria provided, multiple submitters, no conflicts (2 of 4 stars). 2 submissions from 2 submitters: Uncertain significance (2). Last evaluated 2025-06-18.

Conditions:
Inborn genetic diseases. Identifiers: MedGen C0950123, MeSH D030342.
Charcot-Marie-Tooth disease type 4A. Also called: Charcot-Marie-Tooth disease, demyelinating, autosomal recessive, type 4a. Identifiers: Orphanet 99948, MedGen C1859198, MONDO:0008961, OMIM 214400.

Allele frequency attached by ClinVar (database versions not stated): gnomAD exomes below 0.00001; TOPMed below 0.00001; ExAC 0.00001; gnomAD 0.00001.
gnomAD v4.1: 8 of 1,613,820 alleles (0.0005%); highest among the groups gnomAD compares: South Asian, 0.0011%; no homozygotes.

Submissions (2):

Ambry Genetics
Classification: Uncertain significance for Inborn genetic diseases. Last evaluated: 2025-06-18. Review status: criteria provided, single submitter. Criteria: Ambry Variant Classification Scheme 2023. Collection method: clinical testing. Allele origin: germline.

Labcorp Genetics (formerly Invitae), Labcorp
Classification: Uncertain significance for Charcot-Marie-Tooth disease type 4A. Last evaluated: 2025-03-10. Review status: criteria provided, single submitter. Criteria: Invitae Variant Classification Sherloc (09022015). Collection method: clinical testing. Allele origin: germline.
Comment: This sequence change replaces valine, which is neutral and non-polar, with isoleucine, which is neutral and non-polar, at codon 249 of the GDAP1 protein (p.Val249Ile). This variant is present in population databases (rs753181104, gnomAD 0.002%). This variant has not been reported in the literature in individuals affected with GDAP1-related conditions. ClinVar contains an entry for this variant (Variation ID: 1016696). Invitae Evidence Modeling of protein sequence and biophysical properties (such as structural, functional, and spatial information, amino acid conservation, physicochemical variation, residue mobility, and thermodynamic stability) indicates that this missense variant is not expected to disrupt GDAP1 protein function with a negative predictive value of 80%. In summary, the available evidence is currently insufficient to determine the role of this variant in disease. Therefore, it has been classified as a Variant of Uncertain Significance.

NM_018972.4(GDAP1):c.745G>A (p.Val249Ile)

Gene: GDAP1 (ganglioside induced differentiation associated protein 1; plus strand). Cytogenetic location: 8q21.11.
Variant type: single nucleotide variant.
Coding change: c.745G>A on transcript NM_018972.4 (MANE Select); coding-DNA position 745, G replaced by A.
Protein change: p.Val249Ile; replaces valine 249 with isoleucine.
Molecular consequence: missense variant. On other transcripts: intron variant (1).
Genome position (GRCh38, 1-based): chr8:74,364,035, G>A. VCF-style: chr8-74364035-G-A. GRCh37 (hg19) VCF-style: chr8-75276270-G-A.
Other names: c.745G>A (NM_018972.2); c.541G>A, p.Val181Ile (NM_001040875.4); c.418G>A, p.Val140Ile (NM_001362929.2, NM_001362932.2); c.571G>A, p.Val191Ile (NM_001362930.2); c.694+982G>A (NM_001362931.2); short protein forms V140I, V181I, V191I, V249I.
Identifiers: ClinVar variation 1016696 (VCV001016696.9), dbSNP rs753181104, ClinGen allele CA4785194.